The following is an entry in ClinVar:

NM_005732.4(RAD50):c.1283A>G (p.Gln428Arg)

Gene: RAD50 (RAD50 double strand break repair protein; plus strand). Cytogenetic location: 5q31.1.
Variant type: single nucleotide variant.
Coding change: c.1283A>G on transcript NM_005732.4 (MANE Select); coding-DNA position 1283, A replaced by G.
Protein change: p.Gln428Arg; replaces glutamine 428 with arginine.
Molecular consequence: missense variant.
Genome position (GRCh38, 1-based): chr5:132,589,668, A>G. VCF-style: chr5-132589668-A-G. GRCh37 (hg19) VCF-style: chr5-131925360-A-G.
Other names: short protein forms Q428R.
Identifiers: ClinVar variation 457372 (VCV000457372.10), dbSNP rs1554098308, ClinGen allele CA360943659.
Genomic context (GRCh38, chr5:132,589,668, plus strand): 5'-TCATTCTTTACATATGCATTTAGAATGACTTTGCAGAAAAAGAGACTCTGAAACAAAAAC[A>G]GATAGATGAGATAAGAGATAAGAAAACTGGACTGGGAAGAATAATTGAGTTAAAATCAGA-3'
Protein context (NP_005723.2, residues 418-438): FAEKETLKQK[Gln428Arg]IDEIRDKKTG

ClinVar aggregate classification (germline): Uncertain significance. Review status: criteria provided, multiple submitters, no conflicts (2 of 4 stars). 2 submissions from 2 submitters: Uncertain significance (2). Last evaluated 2026-05-28.

Conditions:
Hereditary cancer-predisposing syndrome. Also called: Hereditary Cancer Syndrome; Tumor predisposition; Hereditary neoplastic syndrome; Neoplastic Syndromes, Hereditary. Identifiers: Orphanet 140162, MedGen C0027672, MeSH D009386, MONDO:0015356.

Submissions (2):

Ambry Genetics
Classification: Uncertain significance for Hereditary cancer-predisposing syndrome. Last evaluated: 2026-05-28. Review status: criteria provided, single submitter. Criteria: Ambry Variant Classification Scheme 2023. Collection method: clinical testing. Allele origin: germline.
Comment: The p.Q428R variant (also known as c.1283A>G), located in coding exon 9 of the RAD50 gene, results from an A to G substitution at nucleotide position 1283. The glutamine at codon 428 is replaced by arginine, an amino acid with highly similar properties. This amino acid position is conserved. In addition, this alteration is predicted to be tolerated by in silico analysis. Based on the available evidence, the clinical significance of this variant remains unclear.

Labcorp Genetics (formerly Invitae), Labcorp
Classification: Uncertain significance for Hereditary cancer-predisposing syndrome. Last evaluated: 2017-07-25. Review status: criteria provided, single submitter. Criteria: Invitae Variant Classification Sherloc (09022015). Collection method: clinical testing. Allele origin: germline.
Comment: In summary, the available evidence is currently insufficient to determine the role of this variant in disease. Therefore, it has been classified as a Variant of Uncertain Significance. Algorithms developed to predict the effect of missense changes on protein structure and function (SIFT, PolyPhen-2, Align-GVGD) all suggest that this variant is likely to be tolerated, but these predictions have not been confirmed by published functional studies and their clinical significance is uncertain. This variant has not been reported in the literature in individuals with RAD50-related disease. This variant is not present in population databases (ExAC no frequency). This sequence change replaces glutamine with arginine at codon 428 of the RAD50 protein (p.Gln428Arg). The glutamine residue is moderately conserved and there is a small physicochemical difference between glutamine and arginine.